The following is an entry in ClinVar:

ClinVar aggregate classification (germline): Uncertain significance (1 of 4 stars; one submission).

gnomAD v4.1: 9 of 1,613,334 alleles (0.00056%); highest among the groups gnomAD compares: East Asian, 0.0022%; no homozygotes.

Submission:

Labcorp Genetics (formerly Invitae), Labcorp
Classification: Uncertain significance. Last evaluated: 2025-03-10. Review status: criteria provided, single submitter. Criteria: Invitae Variant Classification Sherloc (09022015). Collection method: clinical testing. Allele origin: germline.
Comment: This sequence change replaces aspartic acid, which is acidic and polar, with asparagine, which is neutral and polar, at codon 819 of the ACTN4 protein (p.Asp819Asn). This variant is not present in population databases (gnomAD no frequency). This variant has not been reported in the literature in individuals affected with ACTN4-related conditions. An algorithm developed to predict the effect of missense changes on protein structure and function (PolyPhen-2) suggests that this variant is likely to be disruptive. In summary, the available evidence is currently insufficient to determine the role of this variant in disease. Therefore, it has been classified as a Variant of Uncertain Significance.

NM_004924.6(ACTN4):c.2455G>A (p.Asp819Asn)

Gene: ACTN4 (actinin alpha 4; plus strand). Cytogenetic location: 19q13.2.
Variant type: single nucleotide variant.
Coding change: c.2455G>A on transcript NM_004924.6 (MANE Select); coding-DNA position 2455, G replaced by A.
Protein change: p.Asp819Asn; replaces aspartic acid 819 with asparagine.
Molecular consequence: missense variant.
Genome position (GRCh38, 1-based): chr19:38,729,032, G>A. VCF-style: chr19-38729032-G-A. GRCh37 (hg19) VCF-style: chr19-39219672-G-A.
Other names: c.2440G>A, p.Asp814Asn (NM_001322033.2, NM_001440298.1); c.2455G>A, p.Asp819Asn (NM_001411143.1); c.2521G>A, p.Asp841Asn (NM_001440296.1, NM_001440300.1); c.2203G>A, p.Asp735Asn (NM_001440299.1); short protein forms D735N, D814N, D841N, D819N.
Identifiers: ClinVar variation 4709343 (VCV004709343.1).